The following is an entry in ClinVar:

ClinVar aggregate classification (germline): Conflicting classifications of pathogenicity. Review status: criteria provided, conflicting classifications (1 of 4 stars). 2 submissions from 2 submitters: Uncertain significance (1); Likely benign (1). Last evaluated 2025-02-16.

Conditions:
Hereditary spastic paraplegia 4. Also called: Spastic Paraplegia 4; Spastic paraplegia 4, autosomal dominant; Familial spastic paraplegia autosomal dominant 2. Identifiers: Orphanet 100985, MedGen C1866855, MONDO:0008438, OMIM 182601.

Allele frequency attached by ClinVar (database versions not stated): ExAC 0.00002.
gnomAD v4.1: 10 of 1,612,566 alleles (0.00062%); highest among the groups gnomAD compares: East Asian, 0.0022%; no homozygotes.

Submissions (2):

Laboratory of Genetics, Children's Clinical University Hospital Latvia
Classification: Likely benign. Last evaluated: 2025-02-16. Review status: criteria provided, single submitter. Criteria: ACMG Guidelines, 2015. Collection method: clinical testing. Allele origin: germline. Affected: yes.

Labcorp Genetics (formerly Invitae), Labcorp
Classification: Uncertain significance for Hereditary spastic paraplegia 4. Last evaluated: 2024-02-24. Review status: criteria provided, single submitter. Criteria: Invitae Variant Classification Sherloc (09022015). Collection method: clinical testing. Allele origin: germline.
Comment: This sequence change replaces arginine, which is basic and polar, with histidine, which is basic and polar, at codon 221 of the SPAST protein (p.Arg221His). This variant is present in population databases (rs765786158, gnomAD 0.005%). This variant has not been reported in the literature in individuals affected with SPAST-related conditions. ClinVar contains an entry for this variant (Variation ID: 2417464). Advanced modeling of protein sequence and biophysical properties (such as structural, functional, and spatial information, amino acid conservation, physicochemical variation, residue mobility, and thermodynamic stability) has been performed at Invitae for this missense variant, however the output from this modeling did not meet the statistical confidence thresholds required to predict the impact of this variant on SPAST protein function. In summary, the available evidence is currently insufficient to determine the role of this variant in disease. Therefore, it has been classified as a Variant of Uncertain Significance.

NM_014946.4(SPAST):c.662G>A (p.Arg221His)

Gene: SPAST (spastin; plus strand). Cytogenetic location: 2p22.3.
Variant type: single nucleotide variant.
Coding change: c.662G>A on transcript NM_014946.4 (MANE Select); coding-DNA position 662, G replaced by A.
Protein change: p.Arg221His; replaces arginine 221 with histidine.
Molecular consequence: missense variant. On other transcripts: intron variant (3).
Genome position (GRCh38, 1-based): chr2:32,098,871, G>A. VCF-style: chr2-32098871-G-A. GRCh37 (hg19) VCF-style: chr2-32323940-G-A.
Other names: c.659G>A, p.Arg220His (NM_001363823.2); c.586+9266G>A (NM_199436.2, NM_001377959.1); c.583+9266G>A (NM_001363875.2); short protein forms R220H, R221H.
Identifiers: ClinVar variation 2417464 (VCV002417464.7), dbSNP rs765786158, ClinGen allele CA1600670.